The following is an entry in ClinVar:

NM_173630.4(RTTN):c.6596C>T (p.Thr2199Ile)

Gene: RTTN (rotatin; minus strand). Cytogenetic location: 18q22.2.
Variant type: single nucleotide variant.
Coding change: c.6596C>T on transcript NM_173630.4 (MANE Select); coding-DNA position 6596, C replaced by T.
Protein change: p.Thr2199Ile; replaces threonine 2199 with isoleucine.
Molecular consequence: missense variant.
Genome position (GRCh38, 1-based): chr18:70,004,236, G>A on the plus strand (C>T on the coding strand, the complement: RTTN is on the minus strand). VCF-style: chr18-70004236-G-A. GRCh37 (hg19) VCF-style: chr18-67671472-G-A.
Other names: c.3860C>T, p.Thr1287Ile (NM_001318520.2); short protein forms T2199I, T1287I.
Identifiers: ClinVar variation 1373928 (VCV001373928.6), dbSNP rs750094600, ClinGen allele CA402696727.
Genomic context (GRCh38, chr18:70,004,236, plus strand): 5'-AGGTTTTCAAGACATTTCAAATAATAGGCATTTAGAGGGTTTGCTTCTGAGTTTGGGAAA[G>A]CTGAGATAGAAAAATAAGAGTACAGAAATACTAGTTTATGAAACTTGGTACTATACTTAG-3'
Protein context (NP_775901.3, residues 2189-2209): VDEAYSLAKK[Thr2199Ile]FPNSEANPLN

ClinVar aggregate classification (germline): Uncertain significance (1 of 4 stars; one submission).

Submission:

Labcorp Genetics (formerly Invitae), Labcorp
Classification: Uncertain significance. Last evaluated: 2022-07-26. Review status: criteria provided, single submitter. Criteria: Invitae Variant Classification Sherloc (09022015). Collection method: clinical testing. Allele origin: germline.
Comment: In summary, the available evidence is currently insufficient to determine the role of this variant in disease. Therefore, it has been classified as a Variant of Uncertain Significance. Algorithms developed to predict the effect of missense changes on protein structure and function (SIFT, PolyPhen-2, Align-GVGD) all suggest that this variant is likely to be tolerated. ClinVar contains an entry for this variant (Variation ID: 1373928). This variant has not been reported in the literature in individuals affected with RTTN-related conditions. This variant is not present in population databases (gnomAD no frequency). This sequence change replaces threonine, which is neutral and polar, with isoleucine, which is neutral and non-polar, at codon 2199 of the RTTN protein (p.Thr2199Ile).